The following is an entry in ClinVar:

ClinVar aggregate classification (germline): Likely pathogenic (1 of 4 stars; one submission).

Conditions:
Intellectual developmental disorder, X-linked 1. Also called: Atkin Flaitz Patil Smith syndrome; MENTAL RETARDATION, X-LINKED 18; MENTAL RETARDATION, X-LINKED 78; Intellectual disability, X-linked 1. Identifiers: Orphanet 777, MedGen C2931498, MONDO:0010656, OMIM 309530.

Submission:

MVZ Medizinische Genetik Mainz
Classification: Likely pathogenic for Intellectual developmental disorder, X-linked 1. Last evaluated: 2024-04-26. Review status: criteria provided, single submitter. Criteria: UK Practice Guidelines For Variant Classification V4 01 2020. Collection method: clinical testing. Allele origin: germline. Inheritance: Autosomal dominant inheritance. Affected: yes. Observed: 1 variant allele.
Comment: ACMG Criteria: PVS1,PM2_SUP

NM_001111125.3(IQSEC2):c.1857_1858insTCCACTGCCAGCTG (p.Val620fs)

Gene: IQSEC2 (IQ motif and Sec7 domain ArfGEF 2; minus strand). Cytogenetic location: Xp11.22.
Variant type: Insertion.
Coding change: c.1857_1858insTCCACTGCCAGCTG on transcript NM_001111125.3 (MANE Select); coding-DNA positions 1857 to 1858, TCCACTGCCAGCTG inserted.
Protein change: p.Val620fs; shifts the reading frame from valine 620.
Molecular consequence: frameshift variant.
Genome position: GRCh38 VCF-style: chrX-53250718-C-CCAGCTGGCAGTGGA. GRCh37 (hg19) VCF-style: chrX-53279900-C-CCAGCTGGCAGTGGA.
Other names: c.1857_1858insTCCACTGCCAGCTG, p.Val620fs (NM_001410736.1); c.1242_1243insTCCACTGCCAGCTG, p.Val415fs (NM_015075.2); short protein forms V415fs, V620fs.
Identifiers: ClinVar variation 3256863 (VCV003256863.1).